The following is an entry in ClinVar:

NM_000268.4(NF2):c.1312C>A (p.Leu438Met)

Gene: NF2 (NF2, moesin-ezrin-radixin like (MERLIN) tumor suppressor; plus strand). Cytogenetic location: 22q12.2.
Variant type: single nucleotide variant.
Coding change: c.1312C>A on transcript NM_000268.4 (MANE Select); coding-DNA position 1312, C replaced by A.
Protein change: p.Leu438Met; replaces leucine 438 with methionine.
Molecular consequence: missense variant. On other transcripts: intron variant (1).
Genome position (GRCh38, 1-based): chr22:29,673,458, C>A. VCF-style: chr22-29673458-C-A. GRCh37 (hg19) VCF-style: chr22-30069447-C-A.
Other names: c.1312C>A, p.Leu438Met (NM_001407060.1, NM_001407066.1, NM_016418.5 and 2 more transcripts); c.1054C>A, p.Leu352Met (NM_001407062.1); c.1063C>A, p.Leu355Met (NM_001407063.1, NM_001407064.1, NM_181830.3 and 1 more transcripts); c.778C>A, p.Leu260Met (NM_001407065.1); c.1081C>A, p.Leu361Met (NM_001407067.1); c.1186C>A, p.Leu396Met (NM_181828.3, NM_001407055.1); c.1189C>A, p.Leu397Met (NM_181829.3, NM_001407054.1, NM_001407058.1); c.448-21294C>A (NM_181833.3); and 2 more; short protein forms L352M, L393M, L438M, L361M, L400M, L396M, L260M, L355M.
Identifiers: ClinVar variation 4694914 (VCV004694914.1).
Genomic context (GRCh38, chr22:29,673,458, plus strand): 5'-CGCACGGAGGAGGAGAAGCGCCTGATGGAGCAGAAGGTGCTGGAAGCCGAGGTGCTGGCA[C>A]TGAAGATGGCTGAGGAGTCAGAGAGGAGGTGAGGGGGCACCGGGCACCAGACTGGCGAGG-3'
Protein context (NP_000259.1, residues 428-448): QKVLEAEVLA[Leu438Met]KMAEESERRA

ClinVar aggregate classification (germline): Uncertain significance (1 of 4 stars; one submission).

Conditions:
Neurofibromatosis, type 2 (SWNV). Also called: BILATERAL ACOUSTIC NEUROFIBROMATOSIS; NF2-Related Schwannomatosis; SCHWANNOMATOSIS, VESTIBULAR. Identifiers: Orphanet 637, MedGen C0027832, MONDO:0007039, OMIM 101000. Disease mechanism: loss of function.

Submission:

Labcorp Genetics (formerly Invitae), Labcorp
Classification: Uncertain significance for Neurofibromatosis, type 2. Last evaluated: 2025-12-15. Review status: criteria provided, single submitter. Criteria: Invitae Variant Classification Sherloc (09022015). Collection method: clinical testing. Allele origin: germline.
Comment: This sequence change replaces leucine, which is neutral and non-polar, with methionine, which is neutral and non-polar, at codon 438 of the NF2 protein (p.Leu438Met). This variant is not present in population databases (gnomAD no frequency). This variant has not been reported in the literature in individuals affected with NF2-related conditions. Invitae Evidence Modeling of protein sequence and biophysical properties (such as structural, functional, and spatial information, amino acid conservation, physicochemical variation, residue mobility, and thermodynamic stability) indicates that this missense variant is not expected to disrupt NF2 protein function with a negative predictive value of 80%. In summary, the available evidence is currently insufficient to determine the role of this variant in disease. Therefore, it has been classified as a Variant of Uncertain Significance.